The following is an entry in ClinVar:

ClinVar aggregate classification (germline): Uncertain significance (1 of 4 stars; one submission).

Submission:

Ambry Genetics
Classification: Uncertain significance. Last evaluated: 2023-05-04. Review status: criteria provided, single submitter. Criteria: Ambry Variant Classification Scheme 2023. Collection method: clinical testing. Allele origin: germline.
Comment: The p.V941G variant (also known as c.2822T>G), located in coding exon 25 of the KIF1B gene, results from a T to G substitution at nucleotide position 2822. The valine at codon 941 is replaced by glycine, an amino acid with dissimilar properties. This amino acid position is conserved. In addition, this alteration is predicted to be deleterious by in silico analysis. Since supporting evidence is limited at this time, the clinical significance of this alteration remains unclear.

NM_001365951.3(KIF1B):c.2960T>G (p.Val987Gly)

Gene: KIF1B (kinesin family member 1B; plus strand). Cytogenetic location: 1p36.22.
Variant type: single nucleotide variant.
Coding change: c.2960T>G on transcript NM_001365951.3 (MANE Select); coding-DNA position 2960, T replaced by G.
Protein change: p.Val987Gly; replaces valine 987 with glycine.
Molecular consequence: missense variant.
Genome position (GRCh38, 1-based): chr1:10,334,555, T>G. VCF-style: chr1-10334555-T-G. GRCh37 (hg19) VCF-style: chr1-10394613-T-G.
Other names: c.2960T>G, p.Val987Gly (NM_001365952.1); c.2822T>G, p.Val941Gly (NM_015074.3); short protein forms V941G, V987G.
Identifiers: ClinVar variation 2563629 (VCV002563629.2), dbSNP rs2521700291, ClinGen allele CA338338647.